The following continues an entry in ClinVar:

NM_024577.4(SH3TC2):c.3325C>T (p.Arg1109Ter)

Gene: SH3TC2. ClinVar aggregate classification (germline): Pathogenic. Pathogenic (15).

Submissions 18 to 22 of 22:

Clinical Genetics, Academic Medical Center
Classification: Pathogenic. Review status: no assertion criteria provided. Collection method: clinical testing. Allele origin: germline. Affected: yes. Study: VKGL Data-share Consensus. Not counted in ClinVar's aggregate classification.

GeneReviews
No classification provided. Condition: Charcot-Marie-Tooth disease type 4C. Review status: no classification provided. Collection method: literature only. Allele origin: germline. Not counted in ClinVar's aggregate classification.

Hong-Tao Li Lab, Institute of Brain Science and Brain-inspired Research, Shandong First Medical University & Shandong Academy of Medical Sciences China
Classification: Pathogenic for Susceptibility to mononeuropathy of the median nerve, mild. Review status: no assertion criteria provided. Collection method: research. Allele origin: germline. Inheritance: Autosomal dominant inheritance. Affected: yes. Observed: 1 variant allele, 1 heterozygote. Not counted in ClinVar's aggregate classification.
Comment: Observed in affected individuals from a Pakistani neurodevelopmental-disorder research cohort of 263 individuals. Classification assigned using the ACMG/AMP framework. Population-frequency evidence: gnomAD AF 4.243e-05.

Inherited Neuropathy Consortium
Classification: Likely pathogenic for Charcot-Marie-Tooth disease. Review status: no assertion criteria provided. Collection method: provider interpretation. Allele origin: inherited. Affected: yes. Not counted in ClinVar's aggregate classification.

Joint Genome Diagnostic Labs from Nijmegen and Maastricht, Radboudumc and MUMC+
Classification: Pathogenic. Review status: no assertion criteria provided. Collection method: clinical testing. Allele origin: germline. Affected: yes. Study: VKGL Data-share Consensus. Not counted in ClinVar's aggregate classification.

Literature cited by the submitters: PubMed 20220177 (cited by Labcorp Genetics (formerly Invitae), Labcorp); PubMed 27068304 (cited by Labcorp Genetics (formerly Invitae), Labcorp); PubMed 16326826 (cited by 6 submitters); PubMed 17470135 (cited by 6 submitters); PubMed 22978647 (cited by 4 submitters); PubMed 26752306 (cited by 3 submitters); PubMed 27231023 (cited by 5 submitters); PubMed 32376792 (cited by Athena Diagnostics and Mayo Clinic Laboratories, Mayo Clinic); PubMed 30653784 (cited by 3 submitters); PubMed 30373780 (cited by Athena Diagnostics and Mayo Clinic Laboratories, Mayo Clinic); PubMed 29321516 (cited by Athena Diagnostics and Laboratory for Molecular Medicine, Mass General Brigham Personalized Medicine); PubMed 29184351 (cited by Athena Diagnostics and Laboratory for Molecular Medicine, Mass General Brigham Personalized Medicine); PubMed 37366078 (cited by Athena Diagnostics); PubMed 31589614 (cited by Athena Diagnostics); PubMed 31634715 (cited by Athena Diagnostics); PubMed 36947133 (cited by Athena Diagnostics); PubMed 31127727 (cited by Athena Diagnostics); PubMed 19744956 (cited by Athena Diagnostics); PubMed 16806930 (cited by 5 submitters); PubMed 25525159 (cited by Laboratory for Molecular Medicine, Mass General Brigham Personalized Medicine); PubMed 20301514 (cited by GeneReviews).